The following is an entry in ClinVar:

ClinVar aggregate classification (germline): Uncertain significance. Review status: criteria provided, multiple submitters, no conflicts (2 of 4 stars). 2 submissions from 2 submitters: Uncertain significance (2). Last evaluated 2022-11-01.

Allele frequency attached by ClinVar (database versions not stated): gnomAD exomes below 0.00001; TOPMed 0.00001.
gnomAD v4.1: 2 of 1,438,782 alleles (0.00014%); highest among the groups gnomAD compares: Non-Finnish European, 0.00018%; no homozygotes.

Submissions (2):

CeGaT Center for Human Genetics Tuebingen
Classification: Uncertain significance. Last evaluated: 2022-11-01. Review status: criteria provided, single submitter. Criteria: CeGaT Center For Human Genetics Tuebingen Variant Classification Criteria Version 2. Collection method: clinical testing. Allele origin: germline. Affected: yes. Observed: 1 variant allele.
Comment: SHH: PM1, PM2, PP3

Blueprint Genetics
Classification: Uncertain significance. Last evaluated: 2022-06-21. Review status: criteria provided, single submitter. Criteria: ACMG Guidelines, 2015. Collection method: clinical testing. Allele origin: germline.

NM_000193.4(SHH):c.1132G>A (p.Ala378Thr)

Gene: SHH (sonic hedgehog signaling molecule; minus strand). Cytogenetic location: 7q36.3.
Variant type: single nucleotide variant.
Coding change: c.1132G>A on transcript NM_000193.4 (MANE Select); coding-DNA position 1132, G replaced by A.
Protein change: p.Ala378Thr; replaces alanine 378 with threonine.
Molecular consequence: missense variant. On other transcripts: intron variant (1).
Genome position (GRCh38, 1-based): chr7:155,803,157, C>T on the plus strand (G>A on the coding strand, the complement: SHH is on the minus strand). VCF-style: chr7-155803157-C-T. GRCh37 (hg19) VCF-style: chr7-155595851-C-T.
Other names: c.302-2912G>A (NM_001310462.2); short protein forms A378T.
Identifiers: ClinVar variation 2658280 (VCV002658280.25), dbSNP rs1258661873, ClinGen allele CA370144978.